The following is an entry in ClinVar:

NM_012469.4(PRPF6):c.533A>G (p.Lys178Arg)

Gene: PRPF6 (pre-mRNA processing factor 6; plus strand). Cytogenetic location: 20q13.33.
Variant type: single nucleotide variant.
Coding change: c.533A>G on transcript NM_012469.4 (MANE Select); coding-DNA position 533, A replaced by G.
Protein change: p.Lys178Arg; replaces lysine 178 with arginine.
Molecular consequence: missense variant.
Genome position (GRCh38, 1-based): chr20:63,995,010, A>G. VCF-style: chr20-63995010-A-G. GRCh37 (hg19) VCF-style: chr20-62626363-A-G.
Other names: short protein forms K178R.
Identifiers: ClinVar variation 1352638 (VCV001352638.8), dbSNP rs746737997, ClinGen allele CA9971930.

ClinVar aggregate classification (germline): Uncertain significance (1 of 4 stars; one submission).

Allele frequency attached by ClinVar (database versions not stated): gnomAD exomes below 0.00001 and 0.00001; ExAC 0.00002.
gnomAD v4.1: 1 of 1,614,204 alleles (0.000062%); highest among the groups gnomAD compares: Non-Finnish European, 0.000085%; no homozygotes.

Submission:

Labcorp Genetics (formerly Invitae), Labcorp
Classification: Uncertain significance. Last evaluated: 2025-09-03. Review status: criteria provided, single submitter. Criteria: Invitae Variant Classification Sherloc (09022015). Collection method: clinical testing. Allele origin: germline.
Comment: This sequence change replaces lysine, which is basic and polar, with arginine, which is basic and polar, at codon 178 of the PRPF6 protein (p.Lys178Arg). This variant is present in population databases (rs746737997, gnomAD 0.002%). This variant has not been reported in the literature in individuals affected with PRPF6-related conditions. ClinVar contains an entry for this variant (Variation ID: 1352638). Invitae Evidence Modeling of protein sequence and biophysical properties (such as structural, functional, and spatial information, amino acid conservation, physicochemical variation, residue mobility, and thermodynamic stability) indicates that this missense variant is not expected to disrupt PRPF6 protein function with a negative predictive value of 80%. In summary, the available evidence is currently insufficient to determine the role of this variant in disease. Therefore, it has been classified as a Variant of Uncertain Significance.